The following is an entry in ClinVar:

NM_000548.5(TSC2):c.5401_5402delinsTT (p.Glu1801Leu)

Gene: TSC2 (TSC complex subunit 2; plus strand). Cytogenetic location: 16p13.3.
Variant type: Indel.
Coding change: c.5401_5402delinsTT on transcript NM_000548.5 (MANE Select); coding-DNA positions 5401 to 5402, GA replaced by TT.
Protein change: p.Glu1801Leu; replaces glutamic acid 1801 with leucine.
Molecular consequence: missense variant.
Genome position (GRCh38, 1-based): chr16:2,088,587-2,088,588, GA replaced by TT. VCF-style: chr16-2088587-GA-TT. GRCh37 (hg19) VCF-style: chr16-2138588-GA-TT.
Other names: c.5200_5201delinsTT, p.Glu1734Leu (NM_001077183.3); c.5332_5333delinsTT, p.Glu1778Leu (NM_001114382.3); c.5092_5093delinsTT, p.Glu1698Leu (NM_001318827.2); c.5056_5057delinsTT, p.Glu1686Leu (NM_001318829.2); c.4669_4670delinsTT, p.Glu1557Leu (NM_001318831.2); c.5233_5234delinsTT, p.Glu1745Leu (NM_001318832.2); c.5203_5204delinsTT, p.Glu1735Leu (NM_001363528.2); c.5269_5270delinsTT, p.Glu1757Leu (NM_001370404.1); and 27 more; short protein forms E1200L, E1286L, E1287L, E1309L, E1310L, E1330L, E1534L, E1535L.
Identifiers: ClinVar variation 1720163 (VCV001720163.5), dbSNP rs2544520630, ClinGen allele CA2580091209.

ClinVar aggregate classification (germline): Uncertain significance (1 of 4 stars; one submission).

Conditions:
Tuberous sclerosis 2 (TSC2). Identifiers: Orphanet 805, MedGen C1860707, MONDO:0013199, OMIM 613254.

Submission:

Labcorp Genetics (formerly Invitae), Labcorp
Classification: Uncertain significance for Tuberous sclerosis 2. Last evaluated: 2022-09-23. Review status: criteria provided, single submitter. Criteria: Invitae Variant Classification Sherloc (09022015). Collection method: clinical testing. Allele origin: germline.
Comment: In summary, the available evidence is currently insufficient to determine the role of this variant in disease. Therefore, it has been classified as a Variant of Uncertain Significance. This sequence change replaces glutamic acid, which is acidic and polar, with leucine, which is neutral and non-polar, at codon 1801 of the TSC2 protein (p.Glu1801Leu). Information on the frequency of this variant in the gnomAD database is not available, as this variant may be reported differently in the database. This variant has not been reported in the literature in individuals affected with TSC2-related conditions. Algorithms developed to predict the effect of missense changes on protein structure and function are either unavailable or do not agree on the potential impact of this missense change (SIFT: "Not Available"; PolyPhen-2: "Benign"; Align-GVGD: "Not Available").